The following is an entry in ClinVar:

NM_006044.4(HDAC6):c.3250C>G (p.Gln1084Glu)

Gene: HDAC6 (histone deacetylase 6; plus strand). Cytogenetic location: Xp11.23.
Variant type: single nucleotide variant.
Coding change: c.3250C>G on transcript NM_006044.4 (MANE Select); coding-DNA position 3250, C replaced by G.
Protein change: p.Gln1084Glu; replaces glutamine 1084 with glutamic acid.
Molecular consequence: missense variant. On other transcripts: non-coding transcript variant (1).
Genome position (GRCh38, 1-based): chrX:48,823,732, C>G. VCF-style: chrX-48823732-C-G. GRCh37 (hg19) VCF-style: chrX-48682142-C-G.
Other names: c.3250C>G, p.Gln1084Glu (NM_001321229.1, NM_001321226.2, NM_001321227.2 and 1 more transcripts); c.3292C>G, p.Gln1098Glu (NM_001321225.2); short protein forms Q1084E, Q1098E.
Identifiers: ClinVar variation 5020346 (VCV005020346.1).
Genomic context (GRCh38, chrX:48,823,732, plus strand): 5'-GGGGCCTCAGAATCTCAGGCCCCAGGAGAGGAGAACCTACTAGGAGAGGCAGCTGGAGGT[C>G]AGGACATGGCTGATTCGATGCTGATGCAGGGATCTAGGGGCCTCACTGATCAGGTGAGCT-3'
Protein context (NP_006035.2, residues 1074-1094): ENLLGEAAGG[Gln1084Glu]DMADSMLMQG

ClinVar aggregate classification (germline): Uncertain significance (1 of 4 stars; one submission).

Submission:

Dasa
Classification: Uncertain significance. Last evaluated: 2026-06-19. Review status: criteria provided, single submitter. Criteria: DASA Assertion Criteria. Collection method: clinical testing. Allele origin: germline.
Comment: NM_006044.4(HDAC6):c.3250C>G (p.Gln1084Glu) is a missense variant that results in the substitution of glutamine with glutamic acid. This variant is rare in population databases. Computational prediction algorithms are consistent with a benign effect. The currently available literature and clinical evidence are not sufficient to establish a definitive association between this variant and the reported condition. Therefore, this variant is classified as a variant of uncertain significance.